The following is an entry in ClinVar:

NM_000535.7(PMS2):c.1763C>G (p.Ser588Cys)

Gene: PMS2 (PMS1 homolog 2, mismatch repair system component; minus strand). Cytogenetic location: 7p22.1.
Variant type: single nucleotide variant.
Coding change: c.1763C>G on transcript NM_000535.7 (MANE Select); coding-DNA position 1763, C replaced by G.
Protein change: p.Ser588Cys; replaces serine 588 with cysteine.
Molecular consequence: missense variant. On other transcripts: non-coding transcript variant (1).
Genome position (GRCh38, 1-based): chr7:5,987,002, G>C on the plus strand (C>G on the coding strand, the complement: PMS2 is on the minus strand). VCF-style: chr7-5987002-G-C. GRCh37 (hg19) VCF-style: chr7-6026633-G-C.
Other names: c.1763C>G (NM_000535.5); c.1358C>G, p.Ser453Cys (NM_001322003.2, NM_001322004.2, NM_001322005.2 and 1 more transcripts); c.1607C>G, p.Ser536Cys (NM_001322006.2); c.1445C>G, p.Ser482Cys (NM_001322007.2, NM_001322008.2); c.1202C>G, p.Ser401Cys (NM_001322010.2); c.830C>G, p.Ser277Cys (NM_001322011.2, NM_001322012.2); c.1190C>G, p.Ser397Cys (NM_001322013.2); c.1763C>G, p.Ser588Cys (NM_001322014.2); and 1 more; short protein forms S277C, S397C, S401C, S453C, S482C, S485C, S536C, S588C.
Identifiers: ClinVar variation 1057978 (VCV001057978.11), dbSNP rs2128723884, ClinGen allele CA366739979.

ClinVar aggregate classification (germline): Uncertain significance. Review status: criteria provided, multiple submitters, no conflicts (2 of 4 stars). 3 submissions from 3 submitters: Uncertain significance (3). Last evaluated 2026-05-21.

Conditions:
Hereditary cancer-predisposing syndrome. Also called: Hereditary neoplastic syndrome; Neoplastic Syndromes, Hereditary; Tumor predisposition; Hereditary Cancer Syndrome. Identifiers: Orphanet 140162, MedGen C0027672, MeSH D009386, MONDO:0015356.
Hereditary nonpolyposis colorectal neoplasms. Identifiers: MedGen C0009405, MeSH D003123.

Submissions (3):

Ambry Genetics
Classification: Uncertain significance for Hereditary cancer-predisposing syndrome. Last evaluated: 2026-05-21. Review status: criteria provided, single submitter. Criteria: Ambry Variant Classification Scheme 2023. Collection method: clinical testing. Allele origin: germline.
Comment: The p.S588C variant (also known as c.1763C>G), located in coding exon 11 of the PMS2 gene, results from a C to G substitution at nucleotide position 1763. The serine at codon 588 is replaced by cysteine, an amino acid with dissimilar properties. This amino acid position is conserved. In addition, this alteration is predicted to be tolerated by in silico analysis. Based on the available evidence, the clinical significance of this variant remains unclear.

Labcorp Genetics (formerly Invitae), Labcorp
Classification: Uncertain significance for Hereditary nonpolyposis colorectal neoplasms. Last evaluated: 2025-08-10. Review status: criteria provided, single submitter. Criteria: Invitae Variant Classification Sherloc (09022015). Collection method: clinical testing. Allele origin: germline.
Comment: This sequence change replaces serine, which is neutral and polar, with cysteine, which is neutral and slightly polar, at codon 588 of the PMS2 protein (p.Ser588Cys). This variant is not present in population databases (gnomAD no frequency). This variant has not been reported in the literature in individuals affected with PMS2-related conditions. ClinVar contains an entry for this variant (Variation ID: 1057978). Invitae Evidence Modeling incorporating data from in vitro experimental studies (internal data) indicates that this missense variant is not expected to disrupt PMS2 function with a negative predictive value of 95%. In summary, the available evidence is currently insufficient to determine the role of this variant in disease. Therefore, it has been classified as a Variant of Uncertain Significance.

Color Diagnostics, LLC DBA Color Health
Classification: Uncertain significance for Hereditary cancer-predisposing syndrome. Last evaluated: 2025-03-31. Review status: criteria provided, single submitter. Criteria: ACMG Guidelines, 2015. Collection method: clinical testing. Allele origin: germline.
Comment: This missense variant replaces serine with cysteine at codon 588 of the PMS2 protein. Computational prediction suggests that this variant may not impact protein structure and function. To our knowledge, functional studies have not been reported for this variant. This variant has been reported in an individual affected with unspecified familial cancer syndrome (PMID: 34326862). This variant has not been identified in the general population by the Genome Aggregation Database (gnomAD). The available evidence is insufficient to determine the role of this variant in disease conclusively. Therefore, this variant is classified as a Variant of Uncertain Significance.

Literature cited by the submitters: PubMed 34326862 (cited by Color Diagnostics, LLC DBA Color Health).